The following is an entry in ClinVar:

NM_003803.4(MYOM1):c.1876A>G (p.Ile626Val)

Gene: MYOM1 (myomesin 1; minus strand). Cytogenetic location: 18p11.31.
Variant type: single nucleotide variant.
Coding change: c.1876A>G on transcript NM_003803.4 (MANE Select); coding-DNA position 1876, A replaced by G.
Protein change: p.Ile626Val; replaces isoleucine 626 with valine.
Molecular consequence: missense variant.
Genome position (GRCh38, 1-based): chr18:3,149,169, T>C on the plus strand (A>G on the coding strand, the complement: MYOM1 is on the minus strand). VCF-style: chr18-3149169-T-C. GRCh37 (hg19) VCF-style: chr18-3149167-T-C.
Other names: c.1876A>G, p.Ile626Val (NM_019856.2); short protein forms I626V.
Identifiers: ClinVar variation 3665681 (VCV003665681.2).

ClinVar aggregate classification (germline): Uncertain significance (1 of 4 stars; one submission).

Conditions:
Hypertrophic cardiomyopathy. Also called: HYPERTROPHIC MYOCARDIOPATHY. Identifiers: Orphanet 217569, MedGen C0007194, MeSH D002312, MONDO:0005045, HP:0001639.

Submission:

Labcorp Genetics (formerly Invitae), Labcorp
Classification: Uncertain significance for Hypertrophic cardiomyopathy. Last evaluated: 2025-01-21. Review status: criteria provided, single submitter. Criteria: Invitae Variant Classification Sherloc (09022015). Collection method: clinical testing. Allele origin: germline.
Comment: This sequence change replaces isoleucine, which is neutral and non-polar, with valine, which is neutral and non-polar, at codon 626 of the MYOM1 protein (p.Ile626Val). This variant is not present in population databases (gnomAD no frequency). This variant has not been reported in the literature in individuals affected with MYOM1-related conditions. Invitae Evidence Modeling of protein sequence and biophysical properties (such as structural, functional, and spatial information, amino acid conservation, physicochemical variation, residue mobility, and thermodynamic stability) indicates that this missense variant is not expected to disrupt MYOM1 protein function with a negative predictive value of 80%. In summary, the available evidence is currently insufficient to determine the role of this variant in disease. Therefore, it has been classified as a Variant of Uncertain Significance.